The following is an entry in ClinVar:

NM_000843.4(GRM6):c.1236_1243dup (p.Leu415fs)

Genes: GRM6 (glutamate metabotropic receptor 6; minus strand), ZNF454 (zinc finger protein 454; plus strand). Cytogenetic location: 5q35.3.
Variant type: Duplication.
Coding change: c.1236_1243dup on transcript NM_000843.4 (MANE Select); coding-DNA positions 1236 to 1243, 8 bases duplicated (CCACGCCC; older notation c.1236_1243dupCCACGCCC).
Protein change: p.Leu415fs; shifts the reading frame from leucine 415.
Molecular consequence: frameshift variant.
Genome position (GRCh38, 1-based): chr5:178,989,046-178,989,053, GGGCGTGG duplicated on the plus strand (CCACGCCC on the coding strand, the reverse complement: GRM6 is on the minus strand); duplicating any 8 consecutive bases within chr5:178,989,046-178,989,054 gives the same sequence; the c. name uses the placement nearest the transcript's 3' end. VCF-style (leftmost placement, unchanged base first): chr5-178989045-A-AGGGCGTGG. GRCh37 (hg19) VCF-style: chr5-178416046-A-AGGGCGTGG.
Other names: short protein forms L415fs.
Identifiers: ClinVar variation 2032299 (VCV002032299.4), dbSNP rs2480388107, ClinGen allele CA2580074150.
Genomic context (GRCh38, chr5:178,989,045, plus strand): 5'-GGTTCCATCGCCGGGCACAGGCCTGTGTGCCCAGGGCAGAGCGCCTGGTGCATGCTGTGG[A>AGGGCGTGG]GGGCGTGGGCAATGGCGTACACCGCATCAATCACAAACTGCACCTTGCCCTCCTGCTCGT-3'

ClinVar aggregate classification (germline): Pathogenic (1 of 4 stars; one submission).

Submission:

Labcorp Genetics (formerly Invitae), Labcorp
Classification: Pathogenic. Last evaluated: 2022-09-23. Review status: criteria provided, single submitter. Criteria: Invitae Variant Classification Sherloc (09022015). Collection method: clinical testing. Allele origin: germline.
Comment: For these reasons, this variant has been classified as Pathogenic. This variant has not been reported in the literature in individuals affected with GRM6-related conditions. This variant is not present in population databases (gnomAD no frequency). This sequence change creates a premature translational stop signal (p.Leu415Profs*47) in the GRM6 gene. It is expected to result in an absent or disrupted protein product. Loss-of-function variants in GRM6 are known to be pathogenic (PMID: 15781871, 16622103, 22008250).

Literature cited by the submitters: PubMed 15781871; PubMed 16622103; PubMed 22008250.